The following is an entry in ClinVar:

NM_004415.4(DSP):c.1493C>T (p.Pro498Leu)

Gene: DSP (desmoplakin; plus strand). Cytogenetic location: 6p24.3.
Variant type: single nucleotide variant.
Coding change: c.1493C>T on transcript NM_004415.4 (MANE Select); coding-DNA position 1493, C replaced by T.
Protein change: p.Pro498Leu; replaces proline 498 with leucine.
Molecular consequence: missense variant.
Genome position (GRCh38, 1-based): chr6:7,569,259, C>T. VCF-style: chr6-7569259-C-T. GRCh37 (hg19) VCF-style: chr6-7569492-C-T.
Other names: c.1493C>T, p.Pro498Leu (NM_001008844.3, NM_001319034.2); short protein forms P498L.
Identifiers: ClinVar variation 857736 (VCV000857736.14), dbSNP rs761051181, ClinGen allele CA028448.

ClinVar aggregate classification (germline): Conflicting classifications of pathogenicity. Review status: criteria provided, conflicting classifications (1 of 4 stars). 4 submissions from 4 submitters: Uncertain significance (3); Likely benign (1). Last evaluated 2025-03-02.

Conditions:
Arrhythmogenic right ventricular dysplasia 8 (ARVD8). Also called: Arrhythmogenic Right Ventricular Dysplasia/Cardiomyopathy 8; ARRHYTHMOGENIC RIGHT VENTRICULAR DYSPLASIA, FAMILIAL, 8; ARRHYTHMOGENIC RIGHT VENTRICULAR CARDIOMYOPATHY 8. Identifiers: MedGen C1843896, MONDO:0011831, OMIM 607450.
Arrhythmogenic cardiomyopathy with wooly hair and keratoderma. Also called: Arrhythmogenic cardiomyopathy with woolly hair and keratoderma; PALMOPLANTAR KERATODERMA WITH LEFT VENTRICULAR CARDIOMYOPATHY AND WOOLLY HAIR; Dilated cardiomyopathy with woolly hair and keratoderma; Carvajal syndrome. Identifiers: Orphanet 65282, MedGen C1854063, MONDO:0011581, OMIM 605676.
Cardiomyopathy (CMYO). Also called: Cardiomyopathies. Identifiers: Orphanet 167848, MedGen C0878544, MONDO:0004994, HP:0001638. Inheritance: Various modes of inheritance.
Woolly hair-skin fragility syndrome (WHSF). Identifiers: Orphanet 293165, MedGen C1843292, MONDO:0957307, OMIM 620415.

Allele frequency attached by ClinVar (database versions not stated): gnomAD exomes 0.00001 and 0.00002; ExAC 0.00002.

Submissions (4):

Labcorp Genetics (formerly Invitae), Labcorp
Classification: Likely benign for Arrhythmogenic cardiomyopathy with wooly hair and keratoderma; Arrhythmogenic right ventricular dysplasia 8. Last evaluated: 2025-03-02. Review status: criteria provided, single submitter. Criteria: Invitae Variant Classification Sherloc (09022015). Collection method: clinical testing. Allele origin: germline.

Institute of Medical Genetics and Applied Genomics, University Hospital Tübingen
Classification: Uncertain significance for Arrhythmogenic cardiomyopathy with wooly hair and keratoderma. Last evaluated: 2023-01-10. Review status: criteria provided, single submitter. Criteria: ACMG Guidelines, 2015. Collection method: clinical testing. Allele origin: germline. Inheritance: Autosomal recessive inheritance. Affected: yes.

Color Diagnostics, LLC DBA Color Health
Classification: Uncertain significance for Cardiomyopathy. Last evaluated: 2022-06-15. Review status: criteria provided, single submitter. Criteria: ACMG Guidelines, 2015. Collection method: clinical testing. Allele origin: germline.
Comment: This missense variant replaces proline with leucine at codon 498 of the DSP protein. Computational prediction is inconclusive regarding the impact of this variant on protein structure and function (internally defined REVEL score threshold 0.5 < inconclusive < 0.7, PMID: 27666373). To our knowledge, functional studies have not been reported for this variant. This variant has been reported in a large family segregating with an autosomal recessive form of hair loss disorder (PMID: 26148547). There was no history of sudden death in this family and the three affected homozygotes were reported to be normal in cardiac auscultation and echocardiographic evaluation. This variant has been identified in 4/251448 chromosomes in the general population by the Genome Aggregation Database (gnomAD). The available evidence is insufficient to determine the role of this variant in autosomal dominant heart disease conclusively. Therefore, this variant is classified as a Variant of Uncertain Significance.

3billion
Classification: Uncertain significance for Arrhythmogenic cardiomyopathy with wooly hair and keratoderma. Last evaluated: 2022-01-03. Review status: criteria provided, single submitter. Criteria: ACMG Guidelines, 2015. Collection method: clinical testing. Allele origin: germline. Affected: yes. Observed: 1 homozygote.
Comment: Same nucleotide change resulting in same amino acid change has been previously reported to be associated with DSP related disorder (PMID:26148547, PS1_P). In silico tool predictions suggest damaging effect of the variant on gene or gene product (REVEL: 0.646, PP3_P). It is observed at an extremely low frequency in the gnomAD v2.1.1 dataset (total allele frequency: 0.000016, PM2_M). Therefore, this variant is classified as uncertain significance according to the recommendation of ACMG/AMP guideline.

Literature cited by the submitters: PubMed 26148547 (cited by Color Diagnostics, LLC DBA Color Health and 3billion).